The following is an entry in ClinVar:

ClinVar aggregate classification (germline): Uncertain significance. Review status: criteria provided, multiple submitters, no conflicts (2 of 4 stars). 5 submissions from 5 submitters: Uncertain significance (5). Last evaluated 2025-06-04.

Conditions:
Hereditary cancer-predisposing syndrome. Also called: Hereditary neoplastic syndrome; Tumor predisposition; Hereditary Cancer Syndrome; Neoplastic Syndromes, Hereditary. Identifiers: Orphanet 140162, MedGen C0027672, MeSH D009386, MONDO:0015356.
Hereditary breast ovarian cancer syndrome. Also called: Hereditary breast and ovarian cancer syndrome (HBOC); Hereditary breast and ovarian cancer; BRCA1- and BRCA2-Associated Hereditary Breast and Ovarian Cancer; Breast and ovarian cancer; Hereditary breast and ovarian cancer syndrome; Hereditary breast and/or ovarian cancer syndrome. Identifiers: Orphanet 145, MedGen C0677776, MeSH D061325, MONDO:0003582. Disease mechanism: loss of function.
Breast-ovarian cancer, familial, susceptibility to, 1 (BROVCA1). Also called: OVARIAN CANCER, SUSCEPTIBILITY TO; BRCA1 Hereditary Breast and Ovarian Cancer. Identifiers: Orphanet 145, MedGen C2676676, MONDO:0011450, OMIM 604370. Disease mechanism: loss of function.
Familial cancer of breast. Also called: BREAST CANCER, FAMILIAL; hereditary breast carcinoma; Hereditary breast cancer. Identifiers: Orphanet 227535, MedGen C0346153, MONDO:0016419, OMIM 114480. Disease mechanism: loss of function.
Fanconi anemia, complementation group S (FANCS). Identifiers: MedGen C4554406, MONDO:0054748, OMIM 617883.
Pancreatic cancer, susceptibility to, 4. Identifiers: Orphanet 1333, MedGen C3280442, MONDO:0013685, OMIM 614320.

Submissions (5):

Labcorp Genetics (formerly Invitae), Labcorp
Classification: Uncertain significance for Hereditary breast ovarian cancer syndrome. Last evaluated: 2025-06-04. Review status: criteria provided, single submitter. Criteria: Invitae Variant Classification Sherloc (09022015). Collection method: clinical testing. Allele origin: germline.
Comment: This sequence change replaces lysine, which is basic and polar, with glutamic acid, which is acidic and polar, at codon 168 of the BRCA1 protein (p.Lys168Glu). This variant is not present in population databases (gnomAD no frequency). This missense change has been observed in individual(s) with breast cancer (PMID: 29021639). ClinVar contains an entry for this variant (Variation ID: 628391). Invitae Evidence Modeling of protein sequence and biophysical properties (such as structural, functional, and spatial information, amino acid conservation, physicochemical variation, residue mobility, and thermodynamic stability) indicates that this missense variant is expected to disrupt BRCA1 protein function with a positive predictive value of 80%. In summary, the available evidence is currently insufficient to determine the role of this variant in disease. Therefore, it has been classified as a Variant of Uncertain Significance.

Color Diagnostics, LLC DBA Color Health
Classification: Uncertain significance for Hereditary cancer-predisposing syndrome. Last evaluated: 2023-05-23. Review status: criteria provided, single submitter. Criteria: ACMG Guidelines, 2015. Collection method: clinical testing. Allele origin: germline.
Comment: This missense variant replaces lysine with glutamic acid at codon 168 of the BRCA1 protein. Computational prediction is inconclusive regarding the impact of this variant on protein structure and function (internally defined REVEL score threshold 0.5 < inconclusive < 0.7, PMID: 27666373). To our knowledge, functional studies have not been reported for this variant. This variant has been reported in an individual affected with breast cancer (PMID: 29021639). This variant has not been identified in the general population by the Genome Aggregation Database (gnomAD). The available evidence is insufficient to determine the role of this variant in disease conclusively. Therefore, this variant is classified as a Variant of Uncertain Significance.

Sema4
Classification: Uncertain significance for Hereditary cancer-predisposing syndrome. Last evaluated: 2021-12-17. Review status: criteria provided, single submitter. Criteria: Sema4 Curation Guidelines. Collection method: curation. Allele origin: germline.
Comment: The BRCA1 c.502A>G (p.K168E) variant has been reported in 1 individual with breast cancer (PMID 29021639). This variant was not observed in the large and broad cohorts of the Genome Aggregation Database (PMID: (PMID: 32461654). This variant has been reported in ClinVar (Variation ID 628391). Functional studies have not been performed, and in silico predictions of the variant's effect on protein function are inconclusive. The overall evidence is insufficient to meet ACMG/AMP criteria for classifying it as benign or pathogenic. In summary, the clinical significance of this variant is currently uncertain.

Fulgent Genetics
Classification: Uncertain significance for Familial cancer of breast; Breast-ovarian cancer, familial, susceptibility to, 1; Pancreatic cancer, susceptibility to, 4; Fanconi anemia, complementation group S. Last evaluated: 2021-11-10. Review status: criteria provided, single submitter. Criteria: ACMG Guidelines, 2015. Collection method: clinical testing. Allele origin: unknown.

Quest Diagnostics Nichols Institute San Juan Capistrano
Classification: Uncertain significance. Last evaluated: 2020-11-13. Review status: criteria provided, single submitter. Criteria: Quest Diagnostics criteria. Collection method: clinical testing. Allele origin: unknown.

Literature cited by the submitters: PubMed 29021639 (cited by 3 submitters).

NM_007294.4(BRCA1):c.502A>G (p.Lys168Glu)

Gene: BRCA1 (BRCA1 DNA repair associated; minus strand). Cytogenetic location: 17q21.31.
Variant type: single nucleotide variant.
Coding change: c.502A>G on transcript NM_007294.4 (MANE Select); coding-DNA position 502, A replaced by G.
Protein change: p.Lys168Glu; replaces lysine 168 with glutamic acid.
Molecular consequence: missense variant. On other transcripts: non-coding transcript variant (1).
Genome position (GRCh38, 1-based): chr17:43,099,820, T>C on the plus strand (A>G on the coding strand, the complement: BRCA1 is on the minus strand). VCF-style: chr17-43099820-T-C. GRCh37 (hg19) VCF-style: chr17-41251837-T-C.
Other names: c.361A>G, p.Lys121Glu (NM_001408410.1, NM_001408452.1, NM_001408453.1 and 61 more transcripts); c.424A>G, p.Lys142Glu (NM_001408411.1, NM_001408412.1, NM_001408414.1 and 12 more transcripts); c.421A>G, p.Lys141Glu (NM_001408413.1, NM_001408416.1, NM_001408475.1 and 6 more transcripts); c.502A>G, p.Lys168Glu (NM_001408418.1, NM_001408419.1, NM_001408420.1 and 97 more transcripts); c.499A>G, p.Lys167Glu (NM_001408421.1, NM_001408424.1, NM_001408431.1 and 65 more transcripts); c.367A>G, p.Lys123Glu (NM_001408451.1); c.358A>G, p.Lys120Glu (NM_001408462.1, NM_001408463.1, NM_001408464.1 and 35 more transcripts); c.292A>G, p.Lys98Glu (NM_001408478.1, NM_001408479.1, NM_001408480.1 and 37 more transcripts); and 4 more; short protein forms K168E, K121E, K123E, K167E, K98E, K142E, K165E, K40E.
Identifiers: ClinVar variation 628391 (VCV000628391.9), dbSNP rs886040263, ClinGen allele CA10601137.